The following is an entry in ClinVar:

NM_000263.4(NAGLU):c.694C>T (p.Gln232Ter)

Gene: NAGLU (N-acetyl-alpha-glucosaminidase; plus strand). Cytogenetic location: 17q21.2.
Variant type: single nucleotide variant.
Coding change: c.694C>T on transcript NM_000263.4 (MANE Select); coding-DNA position 694, C replaced by T.
Protein change: p.Gln232Ter; replaces glutamine 232 with a stop codon.
Molecular consequence: nonsense.
Genome position (GRCh38, 1-based): chr17:42,538,685, C>T. VCF-style: chr17-42538685-C-T. GRCh37 (hg19) VCF-style: chr17-40690703-C-T.
Other names: short protein forms Q232*.
Identifiers: ClinVar variation 288040 (VCV000288040.20), dbSNP rs886043792, ClinGen allele CA10605951.

ClinVar aggregate classification (germline): Pathogenic/Likely pathogenic. Review status: criteria provided, multiple submitters, no conflicts (2 of 4 stars). 6 submissions from 6 submitters: Pathogenic (3); Likely pathogenic (2). 1 of the submissions does not count toward it. Last evaluated 2025-03-11.

Conditions:
Mucopolysaccharidosis, MPS-III-B (MPS3B). Also called: Mucopolysaccharidosis type IIIB (Sanfilippo B); MPS IIIB (Sanfilippo Syndrome Type B); MPS III B; N-ACETYL-ALPHA-D-GLUCOSAMINIDASE DEFICIENCY; NAGLU DEFICIENCY; MUCOPOLYSACCHARIDOSIS, TYPE IIIB. Identifiers: Orphanet 79270, MedGen C0086648, MONDO:0009656, OMIM 252920.
Charcot-Marie-Tooth disease axonal type 2V. Also called: CHARCOT-MARIE-TOOTH NEUROPATHY, TYPE 2V; CHARCOT-MARIE-TOOTH DISEASE, AXONAL, AUTOSOMAL DOMINANT, TYPE 2V. Identifiers: Orphanet 447964, MedGen C5569050, MONDO:0014665, OMIM 616491.

Allele frequency attached by ClinVar (database versions not stated): gnomAD 0.00001; gnomAD exomes below 0.00001; TOPMed 0.00002.

Submissions (6):

Natera, Inc.
Classification: Likely pathogenic for Mucopolysaccharidosis type IIIB. Last evaluated: 2025-03-11. Review status: criteria provided, single submitter. Criteria: Natera Variant Classification Schema (03/2026). Collection method: clinical testing. Allele origin: germline.
Comment: The c.694C>T variant in NAGLU is a nonsense variant predicted to introduce a stop codon at amino acid 232. This variant is expected to result in nonsense mediated decay, truncation, or a dysfunctional protein product. This variant is rare in the general population with a frequency below the threshold expected for the associated phenotype(s). Given the available evidence, this variant is classified as Likely Pathogenic.

3billion
Classification: Pathogenic for Mucopolysaccharidosis, MPS-III-B. Last evaluated: 2025-01-31. Review status: criteria provided, single submitter. Criteria: ACMG Guidelines, 2015. Collection method: clinical testing. Allele origin: germline. Affected: yes.
Comment: The variant is observed at an extremely low frequency in the gnomAD v4.1.0 dataset (total allele frequency: <0.001%). Predicted Consequence/Location: Stop-gained (nonsense): predicted to result in a loss or disruption of normal protein function through nonsense-mediated decay (NMD) or protein truncation. Multiple pathogenic variants are reported downstream of the variant. The variant has been reported at least twice as pathogenic without evidence for the classification (ClinVar ID: VCV000288040). Therefore, this variant is classified as Pathogenic according to the recommendation of ACMG/AMP guideline.

Fulgent Genetics
Classification: Likely pathogenic for Mucopolysaccharidosis, MPS-III-B; Charcot-Marie-Tooth disease axonal type 2V. Last evaluated: 2024-05-16. Review status: criteria provided, single submitter. Criteria: ACMG Guidelines, 2015. Collection method: clinical testing. Allele origin: germline.

Labcorp Genetics (formerly Invitae), Labcorp
Classification: Pathogenic for Charcot-Marie-Tooth disease axonal type 2V; Mucopolysaccharidosis, MPS-III-B. Last evaluated: 2024-01-04. Review status: criteria provided, single submitter. Criteria: Invitae Variant Classification Sherloc (09022015). Collection method: clinical testing. Allele origin: germline.
Comment: This sequence change creates a premature translational stop signal (p.Gln232*) in the NAGLU gene. It is expected to result in an absent or disrupted protein product. Loss-of-function variants in NAGLU are known to be pathogenic (PMID: 9832037, 10094189, 16151907). This variant is not present in population databases (gnomAD no frequency). This variant has not been reported in the literature in individuals affected with NAGLU-related conditions. ClinVar contains an entry for this variant (Variation ID: 288040). For these reasons, this variant has been classified as Pathogenic.

Eurofins Ntd Llc (ga)
Classification: Pathogenic. Last evaluated: 2016-06-04. Review status: criteria provided, single submitter. Criteria: EGL Classification Definitions 2015. Collection method: clinical testing. Allele origin: germline. Observed: 2 variant alleles, 2 heterozygotes.

Counsyl
Classification: Likely pathogenic for Mucopolysaccharidosis, MPS-III-B. Last evaluated: 2017-02-07. Review status: no assertion criteria provided. Collection method: clinical testing. Allele origin: unknown. Not counted in ClinVar's aggregate classification.

Literature cited by the submitters: PubMed 9832037 (cited by Labcorp Genetics (formerly Invitae), Labcorp); PubMed 10094189 (cited by Labcorp Genetics (formerly Invitae), Labcorp); PubMed 16151907 (cited by Labcorp Genetics (formerly Invitae), Labcorp).